The following is an entry in ClinVar:

ClinVar aggregate classification (germline): Pathogenic. Review status: criteria provided, multiple submitters, no conflicts (2 of 4 stars). 12 submissions from 11 submitters: Pathogenic (9). 3 of the submissions do not count toward it. Last evaluated 2025-10-13.

Conditions:
Colorectal cancer. Also called: Malignant Colorectal Neoplasm; Colorectal cancer, somatic. Identifiers: MedGen C0346629, MONDO:0005575, OMIM 114500.
Gastric cancer. Also called: Stomach cancer; Malignant tumor of stomach. Identifiers: MedGen C0024623, MeSH D013274, MONDO:0001056, OMIM 613659, HP:0012126.
Gastric adenocarcinoma and proximal polyposis of the stomach (GAPPS). Also called: Polyposis, gastric, Dos Santos and de Magalhaes 1980; Gastric Adenocarcinoma and Proximal Polyposis of the Stomach (GAPPS); POLYPOSIS, GASTRIC. Identifiers: Orphanet 314022, MedGen C4749917, MONDO:0017790, OMIM 619182.
Hepatocellular carcinoma (HCC). Also called: Primary carcinoma of liver; HEPATOMA; LIVER CELL CARCINOMA. Identifiers: Orphanet 88673, MedGen C2239176, MONDO:0007256, OMIM 114550, HP:0001402.
Desmoid disease, hereditary (DESMD). Also called: FIBROMATOSIS, FAMILIAL INFILTRATIVE. Identifiers: Orphanet 873, MedGen C1851124, OMIM 135290. Disease mechanism: loss of function.
Familial adenomatous polyposis 1 (FAP1). Also called: FAMILIAL ADENOMATOUS POLYPOSIS 1, ATTENUATED; POLYPOSIS, ADENOMATOUS INTESTINAL. Identifiers: MedGen C2713442, MONDO:0021056, OMIM 175100. Disease mechanism: loss of function.
Hereditary cancer-predisposing syndrome. Also called: Neoplastic Syndromes, Hereditary; Tumor predisposition; Hereditary neoplastic syndrome; Hereditary Cancer Syndrome. Identifiers: Orphanet 140162, MedGen C0027672, MeSH D009386, MONDO:0015356.
BRAIN TUMOR-POLYPOSIS SYNDROME 2 (BTPS2). Identifiers: MedGen C2673218, OMIM 175100.

Submissions (12):

Labcorp Genetics (formerly Invitae), Labcorp
Classification: Pathogenic for Familial adenomatous polyposis 1. Last evaluated: 2025-10-13. Review status: criteria provided, single submitter. Criteria: Invitae Variant Classification Sherloc (09022015). Collection method: clinical testing. Allele origin: germline.
Comment: This sequence change creates a premature translational stop signal (p.Gln215*) in the APC gene. It is expected to result in an absent or disrupted protein product. Loss-of-function variants in APC are known to be pathogenic (PMID: 17963004, 20685668). This variant is not present in population databases (gnomAD no frequency). This premature translational stop signal has been observed in individual(s) with familial adenomatous polyposis, colorectal cancer or brain cancer (PMID: 1316610, 7661930, 28944238). This variant is also known as c.673C>T, p.Gln225*. ClinVar contains an entry for this variant (Variation ID: 814). For these reasons, this variant has been classified as Pathogenic.

Ambry Genetics
Classification: Pathogenic for Hereditary cancer-predisposing syndrome. Last evaluated: 2025-01-08. Review status: criteria provided, single submitter. Criteria: Ambry Variant Classification Scheme 2023. Collection method: clinical testing. Allele origin: germline.
Comment: The p.Q215* pathogenic mutation (also known as c.643C>T), located in coding exon 5 of the APC gene, results from a C to T substitution at nucleotide position 643. This changes the amino acid from a glutamine to a stop codon within coding exon 5. This alteration was identified in 1/79 unrelated patients with a clinical diagnosis of Familial Adenomatous Polyposis (FAP) (Miyoshi Y et al. Proc. Natl. Acad. Sci. U.S.A. 1992 May;89:4452-6). This variant is considered to be rare based on population cohorts in the Genome Aggregation Database (gnomAD). In addition to the clinical data presented in the literature, this alteration is expected to result in loss of function by premature protein truncation or nonsense-mediated mRNA decay. As such, this alteration is interpreted as a disease-causing mutation.

Myriad Genetics, Inc.
Classification: Pathogenic for Familial adenomatous polyposis 1. Last evaluated: 2023-04-27. Review status: criteria provided, single submitter. Criteria: Myriad Autosomal Dominant, Autosomal Recessive and X-Linked Classification Criteria (2023). Collection method: clinical testing. Allele origin: unknown.
Comment: This variant is considered pathogenic. This variant creates a termination codon and is predicted to result in premature protein truncation.

Fulgent Genetics
Classification: Pathogenic for Colorectal cancer; Hepatocellular carcinoma; Desmoid disease, hereditary; Familial adenomatous polyposis 1; Gastric cancer; Gastric adenocarcinoma and proximal polyposis of the stomach. Last evaluated: 2021-08-19. Review status: criteria provided, single submitter. Criteria: ACMG Guidelines, 2015. Collection method: clinical testing. Allele origin: unknown.

Baylor Genetics
Classification: Pathogenic for Familial adenomatous polyposis 1. Last evaluated: 2021-05-05. Review status: criteria provided, single submitter. Criteria: ACMG Guidelines, 2015. Collection method: clinical testing. Allele origin: unknown.

GeneDx
Classification: Pathogenic. Last evaluated: 2016-11-14. Review status: criteria provided, single submitter. Criteria: GeneDx Variant Classification (06012015). Collection method: clinical testing. Allele origin: germline. Affected: yes.
Comment: This variant is denoted APC c.643C>T at the cDNA level and p.Gln215Ter (Q215X) at the protein level. The substitution creates a nonsense variant, which changes a Glutamine to a premature stop codon (CAG>TAG), and is predicted to cause loss of normal protein function through either protein truncation or nonsense-mediated mRNA decay. This variant has been reported in association with polyposis and brain cancer (Miyoshi 1992, Hamilton 1995) and is considered pathogenic.

ARUP Laboratories, Molecular Genetics and Genomics, ARUP Laboratories
Classification: Pathogenic. Last evaluated: 2016-09-15. Review status: criteria provided, single submitter. Criteria: ARUP Molecular Germline Variant Investigation Process. Collection method: clinical testing. Allele origin: germline.

PreventionGenetics, part of Exact Sciences
Classification: Pathogenic. Last evaluated: 2015-07-09. Review status: criteria provided, single submitter. Criteria: ACMG Guidelines, 2015. Collection method: clinical testing. Allele origin: germline.

Center for Genomics, Ann and Robert H. Lurie Children's Hospital of Chicago
Classification: Pathogenic for Colorectal cancer; Familial adenomatous polyposis 1; Desmoid disease, hereditary; Hepatocellular carcinoma; Gastric cancer; Gastric adenocarcinoma and proximal polyposis of the stomach. Review status: criteria provided, single submitter. Criteria: ACMG Guidelines, 2015. Collection method: clinical testing. Allele origin: germline.
Comment: APC NM_000038.5 exon 6 p.Gln215* (c.643C>T): This variant (also referred to as Gln225*) has been reported in the literature in multiple individuals with familial adenomatous polyposis (FAP), as well as in an individual who also had brain cancer (Miyoshi 1992 PMID:1316610, Hamilton 1995 PMID:7661930, DeRycke 2017 PMID:28944238). This variant is not present in large control databases but is present in ClinVar, with several labs classifying this variant as pathogenic (Variation ID:814). Evolutionary conservation and computational predictive tools for this variant are limited or unavailable. This variant is predicted to cause a stopgain at this codon, resulting in protein truncation or loss of allelic expression through nonsense-mediated mRNA decay. Loss of function variants are a known mechanism of disease for this gene (Zhang 2017 PMID:28423402). In summary, this variant is classified as pathogenic based on the data above.

OMIM
Classification: Pathogenic for FAMILIAL ADENOMATOUS POLYPOSIS 1. Last evaluated: 1995-03-30. Review status: no assertion criteria provided. Collection method: literature only. Allele origin: germline. Not counted in ClinVar's aggregate classification.

OMIM
Classification: Pathogenic for BRAIN TUMOR-POLYPOSIS SYNDROME 2. Last evaluated: 1995-03-30. Review status: no assertion criteria provided. Collection method: literature only. Allele origin: germline. Not counted in ClinVar's aggregate classification.

Mayo Clinic Laboratories, Mayo Clinic
Classification: Pathogenic. Review status: no assertion criteria provided. Collection method: research. Allele origin: unknown. Observed: 1 variant allele. Not counted in ClinVar's aggregate classification.

Literature cited by the submitters: PubMed 17963004 (cited by Labcorp Genetics (formerly Invitae), Labcorp); PubMed 20685668 (cited by Labcorp Genetics (formerly Invitae), Labcorp); PubMed 1316610 (cited by Labcorp Genetics (formerly Invitae), Labcorp and Ambry Genetics); PubMed 7661930 (cited by Labcorp Genetics (formerly Invitae), Labcorp and OMIM); PubMed 28944238 (cited by Labcorp Genetics (formerly Invitae), Labcorp).

NM_000038.6(APC):c.643C>T (p.Gln215Ter)

Gene: APC (APC regulator of Wnt signaling pathway; plus strand). Cytogenetic location: 5q22.2.
Variant type: single nucleotide variant.
Coding change: c.643C>T on transcript NM_000038.6 (MANE Select); coding-DNA position 643, C replaced by T.
Protein change: p.Gln215Ter; replaces glutamine 215 with a stop codon.
Molecular consequence: nonsense. On other transcripts: 5 prime UTR variant (1).
Genome position (GRCh38, 1-based): chr5:112,780,901, C>T. VCF-style: chr5-112780901-C-T. GRCh37 (hg19) VCF-style: chr5-112116598-C-T.
Other names: c.643C>T, p.Gln215Ter (NM_001127510.3, NM_001354895.2, NM_001354896.2 and 2 more transcripts); c.673C>T, p.Gln225Ter (NM_001127511.3, NM_001354897.2, NM_001354902.2); c.568C>T, p.Gln190Ter (NM_001354898.2, NM_001354904.2); c.466C>T, p.Gln156Ter (NM_001354900.2, NM_001354901.2, NM_001354905.2); c.-393C>T (NM_001354906.2); short protein forms Q215*, Q225*, Q156*, Q190*.
Identifiers: ClinVar variation 814 (VCV000000814.33), dbSNP rs137854577, ClinGen allele CA011177.